The following is an entry in ClinVar:

NM_201596.3(CACNB2):c.804+157A>T

Gene: CACNB2 (calcium voltage-gated channel auxiliary subunit beta 2; plus strand). Cytogenetic location: 10p12.31.
Variant type: single nucleotide variant.
Coding change: c.804+157A>T on transcript NM_201596.3 (MANE Select); 157 bases into the intron after coding-DNA position 804, A replaced by T.
Molecular consequence: intron variant. On other transcripts: missense variant (4).
Genome position (GRCh38, 1-based): chr10:18,514,526, A>T. VCF-style: chr10-18514526-A-T. GRCh37 (hg19) VCF-style: chr10-18803455-A-T.
Other names: c.602A>T, p.Lys201Ile (NM_001167945.2); c.521A>T, p.Lys174Ile (NM_001330060.2); c.542A>T, p.Lys181Ile (NM_001410882.1); c.686A>T, p.Lys229Ile (NM_201593.3); c.720+157A>T (NM_201571.4); c.587-454A>T (NM_201572.4); c.671-454A>T (NM_201597.3); c.639+157A>T (NM_000724.4); and 2 more; short protein forms K174I, K201I, K181I, K229I.
Identifiers: ClinVar variation 4980653 (VCV004980653.1).

ClinVar aggregate classification (germline): Likely benign (1 of 4 stars; one submission).

Conditions:
CACNB2-related disorder. Also called: CACNB2-related condition.

gnomAD v4.1: 64 of 1,613,810 alleles (0.004%); highest among the groups gnomAD compares: Admixed American, 0.098%; no homozygotes.

Submission:

PreventionGenetics, part of Exact Sciences
Classification: Likely benign for CACNB2-related condition. Last evaluated: 2025-09-20. Review status: criteria provided, single submitter. Criteria: ACMG Guidelines, 2015. Collection method: clinical testing. Allele origin: germline.
Comment: This variant is classified as likely benign based on ACMG/AMP sequence variant interpretation guidelines (Richards et al. 2015 PMID: 25741868, with internal and published modifications).